The following is an entry in ClinVar:

NM_198578.4(LRRK2):c.5105T>C (p.Met1702Thr)

Gene: LRRK2 (leucine rich repeat kinase 2; plus strand). Cytogenetic location: 12q12.
Variant type: single nucleotide variant.
Coding change: c.5105T>C on transcript NM_198578.4 (MANE Select); coding-DNA position 5105, T replaced by C.
Protein change: p.Met1702Thr; replaces methionine 1702 with threonine.
Molecular consequence: missense variant.
Genome position (GRCh38, 1-based): chr12:40,321,123, T>C. VCF-style: chr12-40321123-T-C. GRCh37 (hg19) VCF-style: chr12-40714925-T-C.
Other names: short protein forms M1702T.
Identifiers: ClinVar variation 447705 (VCV000447705.47), dbSNP rs200008981, ClinGen allele CA6514366.

ClinVar aggregate classification (germline): Uncertain significance. Review status: criteria provided, multiple submitters, no conflicts (2 of 4 stars). 3 submissions from 3 submitters: Uncertain significance (3). Last evaluated 2024-09-16.

Conditions:
Autosomal dominant Parkinson disease 8. Also called: Parkinson disease 8; Parkinson disease 8, susceptibility to; LRRK2-Related Parkinson Disease. Identifiers: Orphanet 411602, MedGen C1846862, MONDO:0011764, OMIM 607060.

Allele frequency attached by ClinVar (database versions not stated): gnomAD 0.00001; ExAC 0.00002; gnomAD exomes 0.00002; TOPMed 0.00002; ESP Exome Variant Server 0.00008.

Submissions (3):

Labcorp Genetics (formerly Invitae), Labcorp
Classification: Uncertain significance for Autosomal dominant Parkinson disease 8. Last evaluated: 2024-09-16. Review status: criteria provided, single submitter. Criteria: Invitae Variant Classification Sherloc (09022015). Collection method: clinical testing. Allele origin: germline.
Comment: This sequence change replaces methionine, which is neutral and non-polar, with threonine, which is neutral and polar, at codon 1702 of the LRRK2 protein (p.Met1702Thr). This variant is present in population databases (rs200008981, gnomAD 0.003%). This variant has not been reported in the literature in individuals affected with LRRK2-related conditions. ClinVar contains an entry for this variant (Variation ID: 447705). Invitae Evidence Modeling of protein sequence and biophysical properties (such as structural, functional, and spatial information, amino acid conservation, physicochemical variation, residue mobility, and thermodynamic stability) has been performed for this missense variant. However, the output from this modeling did not meet the statistical confidence thresholds required to predict the impact of this variant on LRRK2 protein function. In summary, the available evidence is currently insufficient to determine the role of this variant in disease. Therefore, it has been classified as a Variant of Uncertain Significance.

CeGaT Center for Human Genetics Tuebingen
Classification: Uncertain significance. Last evaluated: 2019-05-01. Review status: criteria provided, single submitter. Criteria: CeGaT Center For Human Genetics Tuebingen Variant Classification Criteria Version 2. Collection method: clinical testing. Allele origin: germline. Affected: yes. Observed: 1 variant allele.

Athena Diagnostics
Classification: Uncertain significance. Last evaluated: 2016-08-23. Review status: criteria provided, single submitter. Criteria: Athena Diagnostics Criteria. Collection method: clinical testing. Allele origin: germline.